The following is an entry in ClinVar:

ClinVar aggregate classification (germline): Pathogenic (1 of 4 stars; one submission).

Conditions:
Familial cancer of breast. Also called: hereditary breast carcinoma; BREAST CANCER, FAMILIAL; Hereditary breast cancer. Identifiers: Orphanet 227535, MedGen C0346153, MONDO:0016419, OMIM 114480. Disease mechanism: loss of function.
Fanconi anemia complementation group J. Also called: BRIP1-Related Fanconi Anemia. Identifiers: Orphanet 84, MedGen C1836860, MONDO:0012187, OMIM 609054.

Submission:

Labcorp Genetics (formerly Invitae), Labcorp
Classification: Pathogenic for Familial cancer of breast; Fanconi anemia complementation group J. Last evaluated: 2022-08-03. Review status: criteria provided, single submitter. Criteria: Invitae Variant Classification Sherloc (09022015). Collection method: clinical testing. Allele origin: germline.
Comment: This variant is a gross deletion of the genomic region encompassing exon(s) 18-20 of the BRIP1 gene, which includes the termination codon. This deletion extends beyond the assayed region for this gene and therefore may encompass additional genes. While this deletion is not anticipated to lead to nonsense mediated decay, it is expected to alter mRNA translation or result in a truncated protein product. This variant has not been reported in the literature in individuals affected with BRIP1-related conditions. This variant disrupts the TopBP1-binding region of the BRIP1 protein, which plays a critical role in RPA chromatin loading and the activation of the replication checkpoint in response to DNA damage (PMID: 20159562, 21127055). While functional studies have not been performed to directly test the effect of this variant on BRIP1 protein function, this suggests that disruption of this region of the protein is causative of disease. For these reasons, this variant has been classified as Pathogenic.

Literature cited by the submitters: PubMed 20159562; PubMed 21127055.

NC_000017.10:g.(?_59760657)_(59770883_?)del

Gene: BRIP1 (BRCA1 interacting DNA helicase 1; minus strand). Cytogenetic location: 17q23.2.
Variant type: Deletion.
Identifiers: ClinVar variation 1458463 (VCV001458463.5).